The following is an entry in ClinVar:

NM_001042506.2(PABPC1L2B):c.127T>C (p.Leu43=)

Gene: PABPC1L2B (poly(A) binding protein cytoplasmic 1 like 2B; plus strand). Cytogenetic location: Xq13.2.
Variant type: single nucleotide variant.
Coding change: c.127T>C on transcript NM_001042506.2 (MANE Select); coding-DNA position 127, T replaced by C.
Protein change: p.Leu43=; no amino-acid change (leucine 43 retained).
Molecular consequence: synonymous variant.
Genome position (GRCh38, 1-based): chrX:73,003,769, T>C. VCF-style: chrX-73003769-T-C. GRCh37 (hg19) VCF-style: chrX-72223608-T-C.
Identifiers: ClinVar variation 3771699 (VCV003771699.13).

ClinVar aggregate classification (germline): Likely benign (1 of 4 stars; one submission).

Submission:

CeGaT Center for Human Genetics Tuebingen
Classification: Likely benign. Last evaluated: 2025-02-01. Review status: criteria provided, single submitter. Criteria: CeGaT Center For Human Genetics Tuebingen Variant Classification Criteria Version 2. Collection method: clinical testing. Allele origin: germline. Affected: yes. Observed: 1 variant allele.
Comment: PABPC1L2B: BP4, BP7